The following is an entry in ClinVar:

ClinVar aggregate classification (germline): Uncertain significance (1 of 4 stars; one submission).

gnomAD v4.1: 1 of 1,305,994 alleles (0.000077%); highest among the groups gnomAD compares: Admixed American, 0.0023%; no homozygotes.

Submission:

GeneDx
Classification: Uncertain significance. Last evaluated: 2023-10-13. Review status: criteria provided, single submitter. Criteria: GeneDx Variant Classification Process June 2021. Collection method: clinical testing. Allele origin: germline. Affected: yes.
Comment: In silico analysis supports that this variant does not alter splicing; Not observed at significant frequency in large population cohorts (gnomAD); This variant is associated with the following publications: (PMID: 36451132)

NM_016734.3(PAX5):c.781-7403G>A

Gene: PAX5 (paired box 5; minus strand). Cytogenetic location: 9p13.2.
Variant type: single nucleotide variant.
Coding change: c.781-7403G>A on transcript NM_016734.3 (MANE Select); 7403 bases into the intron before coding-DNA position 781, G replaced by A.
Molecular consequence: intron variant.
Genome position (GRCh38, 1-based): chr9:36,930,887, C>T on the plus strand (G>A on the coding strand, the complement: PAX5 is on the minus strand). VCF-style: chr9-36930887-C-T. GRCh37 (hg19) VCF-style: chr9-36930884-C-T.
Other names: c.457-7403G>A (NM_001280551.2, NM_001280556.2); c.583-7403G>A (NM_001280555.2); c.652-7403G>A (NM_001280553.2, NM_001280554.2); c.780+35662G>A (NM_001280550.2, NM_001280549.2); c.781-7403G>A (NM_001280552.2, NM_001280547.2, NM_001280548.2).
Identifiers: ClinVar variation 3366002 (VCV003366002.1).